The following is an entry in ClinVar:

NM_138691.3(TMC1):c.101G>A (p.Arg34Gln)

Gene: TMC1 (transmembrane channel like 1; plus strand). Cytogenetic location: 9q21.13.
Variant type: single nucleotide variant.
Coding change: c.101G>A on transcript NM_138691.3 (MANE Select); coding-DNA position 101, G replaced by A.
Protein change: p.Arg34Gln; replaces arginine 34 with glutamine.
Molecular consequence: missense variant.
Genome position (GRCh38, 1-based): chr9:72,694,579, G>A. VCF-style: chr9-72694579-G-A. GRCh37 (hg19) VCF-style: chr9-75309495-G-A.
Other names: short protein forms R34Q.
Identifiers: ClinVar variation 4984592 (VCV004984592.1).

ClinVar aggregate classification (germline): Uncertain significance (1 of 4 stars; one submission).

Conditions:
TMC1-related disorder. Also called: TMC1-related condition; TMC1-related disorders.

gnomAD v4.1: 14 of 1,612,842 alleles (0.00087%); highest among the groups gnomAD compares: East Asian, 0.0045%; no homozygotes.

Submission:

PreventionGenetics, part of Exact Sciences
Classification: Uncertain significance for TMC1-related condition. Last evaluated: 2026-07-06. Review status: criteria provided, single submitter. Criteria: ACMG Guidelines, 2015. Collection method: clinical testing. Allele origin: germline.
Comment: The TMC1 c.101G>A variant is predicted to result in the amino acid substitution p.Arg34Gln. To our knowledge, this variant has not been reported in the literature. This variant is reported in 0.0055% of alleles in individuals of East Asian descent in gnomAD. At this time, the clinical significance of this variant is uncertain due to the absence of conclusive functional and genetic evidence.